The following is an entry in ClinVar:

NM_003839.4(TNFRSF11A):c.*938T>C

Gene: TNFRSF11A (TNF receptor superfamily member 11a; plus strand). Cytogenetic location: 18q21.33.
Variant type: single nucleotide variant.
Coding change: c.*938T>C on transcript NM_003839.4 (MANE Select); 938 bases downstream of the stop codon, T replaced by C.
Molecular consequence: 3 prime UTR variant.
Genome position (GRCh38, 1-based): chr18:62,385,972, T>C. VCF-style: chr18-62385972-T-C. GRCh37 (hg19) VCF-style: chr18-60053205-T-C.
Other names: c.*1213T>C (NM_001270949.2); c.*938T>C (NM_001270950.2, NM_001270951.2, NM_001278268.2).
Identifiers: ClinVar variation 327757 (VCV000327757.5), dbSNP rs565315471, ClinGen allele CA10648065.

ClinVar aggregate classification (germline): Likely benign. Review status: criteria provided, single submitter (1 of 4 stars). 2 submissions from 1 submitter: Likely benign (2). Last evaluated 2018-01-13.

Conditions:
Paget disease of bone 2, early-onset (PDB2). Also called: Paget disease of bone 2. Identifiers: MedGen C4085251, MONDO:0011183, OMIM 602080.
Autosomal recessive osteopetrosis 7. Identifiers: Orphanet 178389, MedGen C2676766, MONDO:0012859, OMIM 612301.

Allele frequency attached by ClinVar (database versions not stated): gnomAD below 0.00001 and 0.00005; TOPMed below 0.00001; 1000 Genomes Project 0.00060; 1000 Genomes Project 30x 0.00078.

Submissions (2):

Illumina Laboratory Services, Illumina
Classification: Likely benign for Autosomal recessive osteopetrosis 7. Last evaluated: 2018-01-13. Review status: criteria provided, single submitter. Criteria: ICSL Variant Classification Criteria 13 December 2019. Collection method: clinical testing. Allele origin: germline.
Comment: This variant was observed in the ICSL laboratory as part of a predisposition screen in an ostensibly healthy population. It had not been previously curated by ICSL or reported in the Human Gene Mutation Database (HGMD: prior to June 1st, 2018), and was therefore a candidate for classification through an automated scoring system. Utilizing variant allele frequency, disease prevalence and penetrance estimates, and inheritance mode, an automated score was calculated to assess if this variant is too frequent to cause the disease. Based on the score and internal cut-off values, a variant classified as likely benign is not then subjected to further curation. The score for this variant resulted in a classification of likely benign for this disease.

Illumina Laboratory Services, Illumina
Classification: Likely benign for Paget disease of bone 2, early-onset. Last evaluated: 2018-01-13. Review status: criteria provided, single submitter. Criteria: ICSL Variant Classification Criteria 13 December 2019. Collection method: clinical testing. Allele origin: germline.
Comment: the same text as in the submission from Illumina Laboratory Services, Illumina above.